The following is an entry in ClinVar:

ClinVar aggregate classification (germline): Likely benign. Review status: criteria provided, multiple submitters, no conflicts (2 of 4 stars). 4 submissions from 4 submitters: Likely benign (4). Last evaluated 2025-03-04.

Conditions:
Hereditary cancer-predisposing syndrome. Also called: Hereditary Cancer Syndrome; Neoplastic Syndromes, Hereditary; Tumor predisposition; Hereditary neoplastic syndrome. Identifiers: Orphanet 140162, MedGen C0027672, MeSH D009386, MONDO:0015356.
Familial cancer of breast. Also called: Hereditary breast cancer; BREAST CANCER, FAMILIAL; hereditary breast carcinoma. Identifiers: Orphanet 227535, MedGen C0346153, MONDO:0016419, OMIM 114480. Disease mechanism: loss of function.

Allele frequency attached by ClinVar (database versions not stated): gnomAD exomes below 0.00001.

Submissions (4):

Center for Genomic Medicine, Rigshospitalet, Copenhagen University Hospital
Classification: Likely benign. Last evaluated: 2025-03-04. Review status: criteria provided, single submitter. Criteria: ACMG Guidelines, 2015. Collection method: clinical testing. Allele origin: germline.

Labcorp Genetics (formerly Invitae), Labcorp
Classification: Likely benign for Familial cancer of breast. Last evaluated: 2024-08-27. Review status: criteria provided, single submitter. Criteria: Invitae Variant Classification Sherloc (09022015). Collection method: clinical testing. Allele origin: germline.

Myriad Genetics, Inc.
Classification: Likely benign for Familial cancer of breast. Last evaluated: 2024-07-25. Review status: criteria provided, single submitter. Criteria: Myriad Autosomal Dominant, Autosomal Recessive and X-Linked Classification Criteria (2023). Collection method: clinical testing. Allele origin: unknown.
Comment: This variant is considered likely benign. This variant is intronic and is not expected to impact mRNA splicing.

Color Diagnostics, LLC DBA Color Health
Classification: Likely benign for Hereditary cancer-predisposing syndrome. Last evaluated: 2015-10-21. Review status: criteria provided, single submitter. Criteria: ACMG Guidelines, 2015. Collection method: clinical testing. Allele origin: germline.

NM_000465.4(BARD1):c.1396-10A>T

Gene: BARD1 (BRCA1 associated RING domain 1; minus strand). Cytogenetic location: 2q35.
Variant type: single nucleotide variant.
Coding change: c.1396-10A>T on transcript NM_000465.4 (MANE Select); 10 bases into the intron before coding-DNA position 1396, A replaced by T.
Molecular consequence: intron variant.
Genome position (GRCh38, 1-based): chr2:214,767,664, T>A on the plus strand (A>T on the coding strand, the complement: BARD1 is on the minus strand). VCF-style: chr2-214767664-T-A. GRCh37 (hg19) VCF-style: chr2-215632388-T-A.
Other names: c.1396-10A>T (LRG_297t1); c.159-15109A>T (NM_001282548.2); c.1339-10A>T (NM_001282543.2); c.216-15109A>T (NM_001282545.2); c.364+24633A>T (NM_001282549.2).
Identifiers: ClinVar variation 490931 (VCV000490931.15), dbSNP rs1553619373, ClinGen allele CA658683286.